The following is an entry in ClinVar:

NM_001035.3(RYR2):c.8912T>A (p.Ile2971Asn)

Gene: RYR2 (ryanodine receptor 2; plus strand). Cytogenetic location: 1q43.
Variant type: single nucleotide variant.
Coding change: c.8912T>A on transcript NM_001035.3 (MANE Select); coding-DNA position 8912, T replaced by A.
Protein change: p.Ile2971Asn; replaces isoleucine 2971 with asparagine.
Molecular consequence: missense variant.
Genome position (GRCh38, 1-based): chr1:237,680,472, T>A. VCF-style: chr1-237680472-T-A. GRCh37 (hg19) VCF-style: chr1-237843772-T-A.
Other names: short protein forms I2971N.
Identifiers: ClinVar variation 1765088 (VCV001765088.9), dbSNP rs1342030442, ClinGen allele CA345404288.

ClinVar aggregate classification (germline): Uncertain significance. Review status: criteria provided, multiple submitters, no conflicts (2 of 4 stars). 6 submissions from 6 submitters: Uncertain significance (6). Last evaluated 2025-10-14.

Conditions:
Catecholaminergic polymorphic ventricular tachycardia (CVPT). Also called: Catecholamine-induced polymorphic ventricular tachycardia. Identifiers: Orphanet 3286, MedGen C5574922, MONDO:0017990.
Cardiomyopathy (CMYO). Also called: Cardiomyopathies. Identifiers: Orphanet 167848, MedGen C0878544, MONDO:0004994, HP:0001638. Inheritance: Various modes of inheritance.
Catecholaminergic polymorphic ventricular tachycardia 1. Also called: VENTRICULAR TACHYCARDIA, CATECHOLAMINERGIC POLYMORPHIC, 1, WITH OR WITHOUT ATRIAL DYSFUNCTION AND/OR DILATED CARDIOMYOPATHY; RYR2-Related Catecholaminergic Polymorphic Ventricular Tachycardia; VENTRICULAR TACHYCARDIA, STRESS-INDUCED POLYMORPHIC 1. Identifiers: Orphanet 3286, MedGen C1631597, MONDO:0011484, OMIM 604772.
Cardiovascular phenotype. Identifiers: MedGen CN230736.

Allele frequency attached by ClinVar (database versions not stated): TOPMed below 0.00001.
gnomAD v4.1: 10 of 1,608,600 alleles (0.00062%); highest among the groups gnomAD compares: African/African-American, 0.0013%; no homozygotes.

Submissions (6):

Color Diagnostics, LLC DBA Color Health
Classification: Uncertain significance for Cardiomyopathy. Last evaluated: 2025-10-14. Review status: criteria provided, single submitter. Criteria: ACMG Guidelines, 2015. Collection method: clinical testing. Allele origin: germline.
Comment: This missense variant replaces isoleucine with asparagine at codon 2971 of the RYR2 protein. Computational prediction suggests that this variant may have deleterious impact on protein structure and function. To our knowledge, functional studies have not been reported for this variant. This variant has not been reported in individuals affected with RYR2-related disorders in the literature. This variant has been identified in 10/1456276 chromosomes in the general population by the Genome Aggregation Database (gnomAD). The available evidence is insufficient to determine the role of this variant in disease conclusively. Therefore, this variant is classified as a Variant of Uncertain Significance.

GeneDx
Classification: Uncertain significance. Last evaluated: 2025-06-17. Review status: criteria provided, single submitter. Criteria: GeneDx Variant Classification Process June 2021. Collection method: clinical testing. Allele origin: germline. Affected: yes.
Comment: Not observed at significant frequency in large population cohorts (gnomAD); In silico analysis supports that this missense variant has a deleterious effect on protein structure/function; Has not been previously published as pathogenic or benign to our knowledge; Not located in one of the three hot-spot regions of the RYR2 gene, where the majority of pathogenic missense variants occur (PMID: 19926015); This variant is associated with the following publications: (PMID: 19926015)

Labcorp Genetics (formerly Invitae), Labcorp
Classification: Uncertain significance for Catecholaminergic polymorphic ventricular tachycardia 1. Last evaluated: 2025-03-30. Review status: criteria provided, single submitter. Criteria: Invitae Variant Classification Sherloc (09022015). Collection method: clinical testing. Allele origin: germline.
Comment: This sequence change replaces isoleucine, which is neutral and non-polar, with asparagine, which is neutral and polar, at codon 2971 of the RYR2 protein (p.Ile2971Asn). This variant is present in population databases (no rsID available, gnomAD 0.0009%). This variant has not been reported in the literature in individuals affected with RYR2-related conditions. ClinVar contains an entry for this variant (Variation ID: 1765088). Invitae Evidence Modeling of protein sequence and biophysical properties (such as structural, functional, and spatial information, amino acid conservation, physicochemical variation, residue mobility, and thermodynamic stability) has been performed for this missense variant. However, the output from this modeling did not meet the statistical confidence thresholds required to predict the impact of this variant on RYR2 protein function. In summary, the available evidence is currently insufficient to determine the role of this variant in disease. Therefore, it has been classified as a Variant of Uncertain Significance.

Ambry Genetics
Classification: Uncertain significance for Cardiovascular phenotype. Last evaluated: 2025-02-03. Review status: criteria provided, single submitter. Criteria: Ambry Variant Classification Scheme 2023. Collection method: clinical testing. Allele origin: germline.
Comment: The p.I2971N variant (also known as c.8912T>A), located in coding exon 62 of the RYR2 gene, results from a T to A substitution at nucleotide position 8912. The isoleucine at codon 2971 is replaced by asparagine, an amino acid with dissimilar properties. This amino acid position is well conserved in available vertebrate species. In addition, the in silico prediction for this alteration is inconclusive. Based on the available evidence, the clinical significance of this variant remains unclear.

Blueprint Genetics
Classification: Uncertain significance. Last evaluated: 2024-05-03. Review status: criteria provided, single submitter. Criteria: ACMG Guidelines, 2015. Collection method: clinical testing. Allele origin: germline.

All of Us Research Program, National Institutes of Health
Classification: Uncertain significance for Catecholaminergic polymorphic ventricular tachycardia. Last evaluated: 2023-09-17. Review status: criteria provided, single submitter. Criteria: ACMG Guidelines, 2015. Collection method: clinical testing. Allele origin: germline. Inheritance: Autosomal dominant inheritance. Observed: 2 variant alleles, 2 heterozygotes.
Comment: This missense variant replaces isoleucine with asparagine at codon 2971 of the RYR2 protein. Computational prediction suggests that this variant may have deleterious impact on protein structure and function (internally defined REVEL score threshold >= 0.7, PMID: 27666373). To our knowledge, functional studies have not been reported for this variant. This variant has not been reported in individuals affected with RYR2-related disorders in the literature. This variant has been identified in 1/247054 chromosomes in the general population by the Genome Aggregation Database (gnomAD). The available evidence is insufficient to determine the role of this variant in disease conclusively. Therefore, this variant is classified as a Variant of Uncertain Significance.

This study involves interpretation of variants in research participants for the purpose of population health screening. Participant phenotype was not available at the time of variant classification. Additional details can be found in publication PMID: 35346344, PMCID: PMC8962531